The following is an entry in ClinVar:

ClinVar aggregate classification (germline): Uncertain significance (1 of 4 stars; one submission).

Submission:

GeneDx
Classification: Uncertain significance. Last evaluated: 2019-04-18. Review status: criteria provided, single submitter. Criteria: GeneDx Variant Classification Process June 2021. Collection method: clinical testing. Allele origin: germline. Affected: yes.
Comment: Not observed in large population cohorts (Lek et al., 2016); In silico analysis, which includes protein predictors and evolutionary conservation, supports a deleterious effect; Has not been previously published as pathogenic or benign to our knowledge

NM_001205293.3(CACNA1E):c.4934A>T (p.Asn1645Ile)

Gene: CACNA1E (calcium voltage-gated channel subunit alpha1 E; plus strand). Cytogenetic location: 1q25.3.
Variant type: single nucleotide variant.
Coding change: c.4934A>T on transcript NM_001205293.3 (MANE Select); coding-DNA position 4934, A replaced by T.
Protein change: p.Asn1645Ile; replaces asparagine 1645 with isoleucine.
Molecular consequence: missense variant.
Genome position (GRCh38, 1-based): chr1:181,771,345, A>T. VCF-style: chr1-181771345-A-T. GRCh37 (hg19) VCF-style: chr1-181740481-A-T.
Other names: c.4934A>T, p.Asn1645Ile (NM_000721.4); c.4877A>T, p.Asn1626Ile (NM_001205294.2); short protein forms N1626I, N1645I.
Identifiers: ClinVar variation 1305157 (VCV001305157.2), dbSNP rs2102766223, ClinGen allele CA343627854.